The following is an entry in ClinVar:

NM_022168.4(IFIH1):c.946G>A (p.Ala316Thr)

Gene: IFIH1 (interferon induced with helicase C domain 1; minus strand). Cytogenetic location: 2q24.2.
Variant type: single nucleotide variant.
Coding change: c.946G>A on transcript NM_022168.4 (MANE Select); coding-DNA position 946, G replaced by A.
Protein change: p.Ala316Thr; replaces alanine 316 with threonine.
Molecular consequence: missense variant.
Genome position (GRCh38, 1-based): chr2:162,288,284, C>T on the plus strand (G>A on the coding strand, the complement: IFIH1 is on the minus strand). VCF-style: chr2-162288284-C-T. GRCh37 (hg19) VCF-style: chr2-163144794-C-T.
Other names: short protein forms A316T.
Identifiers: ClinVar variation 1384688 (VCV001384688.8), dbSNP rs1355343871, ClinGen allele CA349004848.

ClinVar aggregate classification (germline): Uncertain significance (1 of 4 stars; one submission).

Conditions:
Singleton-Merten syndrome 1 (SGMRT1). Also called: Widened medullary cavities of bone, aortic calcification, abnormal dentition, and muscular weakness; Syndrome of widened medullary cavities of the metacarpals and phalanges, aortic calcification and abnormal dentition. Identifiers: Orphanet 85191, MedGen C4225427, MONDO:0024535, OMIM 182250.
Aicardi-Goutieres syndrome 7 (AGS7). Identifiers: Orphanet 51, MedGen C3888244, MONDO:0014367, OMIM 615846.

Submission:

Labcorp Genetics (formerly Invitae), Labcorp
Classification: Uncertain significance for Aicardi-Goutieres syndrome 7; Singleton-Merten syndrome 1. Last evaluated: 2024-04-27. Review status: criteria provided, single submitter. Criteria: Invitae Variant Classification Sherloc (09022015). Collection method: clinical testing. Allele origin: germline.
Comment: This sequence change replaces alanine, which is neutral and non-polar, with threonine, which is neutral and polar, at codon 316 of the IFIH1 protein (p.Ala316Thr). This variant is not present in population databases (gnomAD no frequency). This variant has not been reported in the literature in individuals affected with IFIH1-related conditions. ClinVar contains an entry for this variant (Variation ID: 1384688). Advanced modeling of protein sequence and biophysical properties (such as structural, functional, and spatial information, amino acid conservation, physicochemical variation, residue mobility, and thermodynamic stability) has been performed at Invitae for this missense variant, however the output from this modeling did not meet the statistical confidence thresholds required to predict the impact of this variant on IFIH1 protein function. In summary, the available evidence is currently insufficient to determine the role of this variant in disease. Therefore, it has been classified as a Variant of Uncertain Significance.